The following is an entry in ClinVar:

ClinVar aggregate classification (germline): Pathogenic (1 of 4 stars; one submission).

Conditions:
Osteogenesis imperfecta type I (OI1). Also called: OI, TYPE I; OSTEOGENESIS IMPERFECTA TARDA; OSTEOGENESIS IMPERFECTA WITH BLUE SCLERAE; Osteogenesis imperfecta type 1; Lobstein's Disease; Lobstein disease. Identifiers: Orphanet 216796, Orphanet 666, MedGen C0023931, MONDO:0008146, OMIM 166200. Disease mechanism: loss of function.

Submission:

Laboratory of Genetic Skeletal Anomaly, Seoul National University Children's Hospital
Classification: Pathogenic for Osteogenesis imperfecta type I. Last evaluated: 2025-03-01. Review status: criteria provided, single submitter. Criteria: ACMG Guidelines, 2015. Collection method: research. Allele origin: germline. Affected: yes.
Comment: This variant is a novel variant not previously reported in the literature or population databases. It was classified based on available in silico predictions and absence from gnomAD.

NM_000088.4(COL1A1):c.3706_3707del (p.Lys1236fs)

Gene: COL1A1 (collagen type I alpha 1 chain; minus strand). Cytogenetic location: 17q21.33.
Variant type: Deletion.
Coding change: c.3706_3707del on transcript NM_000088.4 (MANE Select); coding-DNA positions 3706 to 3707, 2 bases deleted (AA; older notation c.3706_3707delAA).
Protein change: p.Lys1236fs; shifts the reading frame from lysine 1236.
Molecular consequence: frameshift variant.
Genome position (GRCh38, 1-based): chr17:50,186,747-50,186,748, TT deleted on the plus strand (AA on the coding strand, the reverse complement: COL1A1 is on the minus strand). VCF-style (leftmost placement, unchanged base first): chr17-50186746-CTT-C. GRCh37 (hg19) VCF-style: chr17-48264107-CTT-C.
Other names: c.3706_3707delAA (NM_000088.4); short protein forms K1236fs.
Identifiers: ClinVar variation 4280706 (VCV004280706.1).